The following is an entry in ClinVar:

NM_017934.7(PHIP):c.4058A>G (p.Tyr1353Cys)

Genes: IRAK1BP1 (interleukin 1 receptor associated kinase 1 binding protein 1; plus strand), PHIP (PHIP subunit of CUL4-Ring ligase complex; minus strand). Cytogenetic location: 6q14.1.
Variant type: single nucleotide variant.
Coding change: c.4058A>G on transcript NM_017934.7 (MANE Select); coding-DNA position 4058, A replaced by G.
Protein change: p.Tyr1353Cys; replaces tyrosine 1353 with cysteine.
Molecular consequence: missense variant.
Genome position (GRCh38, 1-based): chr6:78,947,771, T>C on the plus strand (A>G on the coding strand, the complement: PHIP is on the minus strand). VCF-style: chr6-78947771-T-C. GRCh37 (hg19) VCF-style: chr6-79657488-T-C.
Other names: short protein forms Y1353C.
Identifiers: ClinVar variation 2231073 (VCV002231073.2), dbSNP rs1773906571, ClinGen allele CA364640924.
Genomic context (GRCh38, chr6:78,947,771, plus strand): 5'-CCAGCCTCTAAAGTTTCTCTAACGGTAGCAAAATCCATTGGAGTGTCAATGATGTCTCTG[T>C]AGTCCTAGGAGAGGGAAAACAGGTGGTGTTATGATTATTACTACACAAAGCATCACTTCT-3'
Protein context (NP_060404.4, residues 1343-1363): QPVDLLEYPD[Tyr1353Cys]RDIIDTPMDF

ClinVar aggregate classification (germline): Uncertain significance (1 of 4 stars; one submission).

Conditions:
Inborn genetic diseases. Identifiers: MedGen C0950123, MeSH D030342.

Submission:

Ambry Genetics
Classification: Uncertain significance for Inborn genetic diseases. Last evaluated: 2021-06-07. Review status: criteria provided, single submitter. Criteria: Ambry Variant Classification Scheme 2023. Collection method: clinical testing. Allele origin: germline.
Comment: The c.4058A>G (p.Y1353C) alteration is located in exon 36 (coding exon 36) of the PHIP gene. This alteration results from a A to G substitution at nucleotide position 4058, causing the tyrosine (Y) at amino acid position 1353 to be replaced by a cysteine (C). Based on data from the Genome Aggregation Database (gnomAD), the PHIP c.4058A>G alteration was not observed, with coverage at this position. This amino acid position is highly conserved in available vertebrate species. The p.Y1353C alteration is predicted to be deleterious by in silico analysis. Based on insufficient or conflicting evidence, the clinical significance of this alteration remains unclear.